The following is an entry in ClinVar:

ClinVar aggregate classification (germline): Pathogenic (1 of 4 stars; one submission).

Conditions:
Gorlin syndrome. Also called: Basal cell nevus syndrome; Nevoid Basal Cell Carcinoma Syndrome. Identifiers: Orphanet 377, MedGen C0004779, MONDO:0007187.
Medulloblastoma (MDB). Also called: Medulloblastoma, somatic; MEDULLOBLASTOMA PREDISPOSITION SYNDROME. Identifiers: Orphanet 616, MedGen C0025149, MeSH D008527, MONDO:0007959, OMIM 155255, HP:0002885.

Submission:

Labcorp Genetics (formerly Invitae), Labcorp
Classification: Pathogenic for Gorlin syndrome; Medulloblastoma. Last evaluated: 2023-09-09. Review status: criteria provided, single submitter. Criteria: Invitae Variant Classification Sherloc (09022015). Collection method: clinical testing. Allele origin: unknown.
Comment: For these reasons, this variant has been classified as Pathogenic. This variant disrupts a region of the SUFU protein in which other variant(s) ((Deletion of exon 11)) have been determined to be pathogenic (Invitae). This suggests that this is a clinically significant region of the protein, and that variants that disrupt it are likely to be disease-causing. This variant has not been reported in the literature in individuals affected with SUFU-related conditions. This variant is a gross deletion of the genomic region encompassing exon(s) 7-12 of the SUFU gene, which includes the termination codon. This deletion extends beyond the assayed region for this gene and therefore may encompass additional genes. While this deletion is not anticipated to lead to nonsense mediated decay, it is expected to alter mRNA translation or result in a truncated protein product.

NC_000010.10:g.(?_104356887)_(104389912_?)del

Gene: SUFU (SUFU negative regulator of hedgehog signaling; plus strand). Cytogenetic location: 10q24.32.
Variant type: Deletion.
Identifiers: ClinVar variation 3244800 (VCV003244800.1).